The following is an entry in ClinVar:

ClinVar aggregate classification (germline): Conflicting classifications of pathogenicity. Review status: criteria provided, conflicting classifications (1 of 4 stars). 11 submissions from 11 submitters: Uncertain significance (4); Benign (1); Likely benign (4). 2 of the submissions do not count toward it. Last evaluated 2025-12-26.

Conditions:
Cardiac arrhythmia. Also called: Arrhythmia; Cardiac rhythm disease. Identifiers: MedGen C0003811, MONDO:0007263, HP:0011675.
Cardiovascular phenotype. Identifiers: MedGen CN230736.
Familial long QT syndrome (RWS). Also called: Congenital long QT syndrome; Romano-Ward syndrome; VENTRICULAR FIBRILLATION WITH PROLONGED QT INTERVAL. Identifiers: Orphanet 768, MedGen C1141890, MONDO:0019171.
Long QT syndrome (LQTS). Identifiers: MedGen C0023976, MeSH D008133, MONDO:0002442. Disease mechanism: loss of function. Inheritance: Various modes of inheritance.
Short QT syndrome type 1. Identifiers: Orphanet 51083, MedGen C1865020, MONDO:0012312, OMIM 609620.
Long QT syndrome 2 (LQT2). Identifiers: Orphanet 101016, Orphanet 768, MedGen C3150943, MONDO:0013367, OMIM 613688.

Allele frequency attached by ClinVar (database versions not stated): TOPMed 0.00008; ESP Exome Variant Server 0.00008.
gnomAD v4.1: 162 of 1,612,162 alleles (0.01%); highest among the groups gnomAD compares: South Asian, 0.022%; no homozygotes.

Submissions (11):

Labcorp Genetics (formerly Invitae), Labcorp
Classification: Uncertain significance for Long QT syndrome. Last evaluated: 2025-12-26. Review status: criteria provided, single submitter. Criteria: Invitae Variant Classification Sherloc (09022015). Collection method: clinical testing. Allele origin: germline.
Comment: This sequence change replaces arginine, which is basic and polar, with cysteine, which is neutral and slightly polar, at codon 885 of the KCNH2 protein (p.Arg885Cys). This variant is present in population databases (rs143512106, gnomAD 0.03%). This missense change has been observed in individual(s) with long QT syndrome (PMID: 17210839, 18752142, 19716085, 27920829, 30369311). ClinVar contains an entry for this variant (Variation ID: 67422). An algorithm developed to predict the effect of missense changes on protein structure and function (PolyPhen-2) suggests that this variant is likely to be disruptive. Experimental studies have shown that this missense change does not substantially affect KCNH2 function (PMID: 18222468). In summary, the available evidence is currently insufficient to determine the role of this variant in disease. Therefore, it has been classified as a Variant of Uncertain Significance.

Blueprint Genetics
Classification: Likely benign. Last evaluated: 2024-11-14. Review status: criteria provided, single submitter. Criteria: ACMG Guidelines, 2015. Collection method: clinical testing. Allele origin: germline.

Color Diagnostics, LLC DBA Color Health
Classification: Likely benign for Cardiac arrhythmia. Last evaluated: 2024-03-25. Review status: criteria provided, single submitter. Criteria: ACMG Guidelines, 2015. Collection method: clinical testing. Allele origin: germline.

All of Us Research Program, National Institutes of Health
Classification: Uncertain significance for Long QT syndrome. Last evaluated: 2023-12-13. Review status: criteria provided, single submitter. Criteria: ACMG Guidelines, 2015. Collection method: clinical testing. Allele origin: germline. Inheritance: Autosomal dominant inheritance. Observed: 17 variant alleles, 17 heterozygotes.
Comment: This missense variant replaces arginine with cysteine at codon 885 of the KCNH2 protein. Computational prediction suggests that this variant may have deleterious impact on protein structure and function (internally defined REVEL score threshold >= 0.7, PMID: 27666373). A functional study has shown that this variant does not change the biophysical properties of the protein (PMID: 18222468). This variant has been reported in several individuals affected with or suspected of having long QT syndrome (PMID: 18752142, 19716085, 27920829, 30369311), and in another individual affected with sudden infant death syndrome (PMID: 17210839). One of these individuals also carried a pathogenic splicing variant in the KCNH2 gene that could explain the observed phenotype (PMID: 27920829). This variant has also been identified in 58/280856 chromosomes in the general population by the Genome Aggregation Database (gnomAD). The available evidence is insufficient to determine the role of this variant in disease conclusively. Therefore, this variant is classified as a Variant of Uncertain Significance.

This study involves interpretation of variants in research participants for the purpose of population health screening. Participant phenotype was not available at the time of variant classification. Additional details can be found in publication PMID: 35346344, PMCID: PMC8962531

CeGaT Center for Human Genetics Tuebingen
Classification: Likely benign. Last evaluated: 2023-12-01. Review status: criteria provided, single submitter. Criteria: CeGaT Center For Human Genetics Tuebingen Variant Classification Criteria Version 2. Collection method: clinical testing. Allele origin: germline. Affected: yes. Observed: 1 variant allele.
Comment: KCNH2: BP2, BS3:Supporting

Petrovsky National Research Centre of Surgery, The Federal Agency for Scientific Organizations
Classification: Benign for Familial long QT syndrome. Last evaluated: 2023-08-08. Review status: criteria provided, single submitter. Criteria: ACMG Guidelines, 2015. Collection method: clinical testing. Allele origin: germline. Affected: yes.
Comment: This variant is in The Genome Aggregation Database (gnomAD) v2.1.1 with total MAF 0.0002065 (Date of access 08-08-2023). Clinvar contains entry for this variant (Variation ID: 67422). This variant has been reported in over a dozen studies in patients with variable phenotypes. Experimental data showed the variant exhibited biophysical properties indistinguishable from WT-HERG (PMID: 18752142). Most in silico predictors show pathogenic result of the protein change. In accordance with ACMG(2015) criteria and enhanced rare variant interpretation in inherited arrhythmias (PMID: 32893267) this variant is classified as Benign with following criteria selected: BS1, BS3, PM1, PP2, PP3.

Ambry Genetics
Classification: Likely benign for Cardiovascular phenotype. Last evaluated: 2022-09-27. Review status: criteria provided, single submitter. Criteria: Ambry Variant Classification Scheme 2023. Collection method: clinical testing. Allele origin: germline.

Fulgent Genetics
Classification: Uncertain significance for Short QT syndrome type 1; Long QT syndrome 2. Last evaluated: 2021-09-29. Review status: criteria provided, single submitter. Criteria: ACMG Guidelines, 2015. Collection method: clinical testing. Allele origin: unknown.

Women's Health and Genetics/Laboratory Corporation of America, LabCorp
Classification: Uncertain significance. Last evaluated: 2018-07-30. Review status: criteria provided, single submitter. Criteria: LabCorp Variant Classification Summary - May 2015. Collection method: clinical testing. Allele origin: germline.
Comment: Variant summary: KCNH2 c.2653C>T (p.Arg885Cys) results in a non-conservative amino acid change in the encoded protein sequence. Four of five in-silico tools predict a damaging effect of the variant on protein function. The variant allele was found at a frequency of 0.0002 in 275594 control chromosomes. The observed variant frequency is approximately 2 fold of the estimated maximal expected allele frequency for a pathogenic variant in KCNH2 causing Arrhythmia phenotype (0.0001), suggesting the variant may be benign. However, this observation must be interpreted cautiously due to the presence of potenially affected individuals in the ExAC and gnomAD databases. c.2653C>T has been reported in the literature in individuals affected with Arrhythmia without strong evidence for or against pathogenicity. However, one publication reported a co-occurrence with a pathogenic KCNH2 variant (c.1557+1G>C), providing supporting evidence for a benign role (Burns_2016). One publication reports experimental evidence suggesting there is no functional effect of the variant, though the data was not presented for review (Rhodes_2008). No clinical diagnostic laboratories have submitted clinical-significance assessments for this variant to ClinVar after 2014. Based on the evidence outlined above, the variant was classified as VUS-possibly benign until additional information becomes available.

CSER _CC_NCGL, University of Washington
Classification: Uncertain significance for Long QT syndrome. Last evaluated: 2014-06-01. Review status: no assertion criteria provided. Collection method: research. Allele origin: germline. Inheritance: Autosomal dominant inheritance. Study: ESP 6500 variant annotation. Not counted in ClinVar's aggregate classification.
Comment: Variants classified for the Actionable exomic incidental findings in 6503 participants: challenges of variant classification manuscript

Cardiovascular Biomedical Research Unit, Royal Brompton & Harefield NHS Foundation Trust
No classification provided. Condition: Familial long QT syndrome. Review status: no classification provided. Collection method: literature only. Allele origin: germline. Not counted in ClinVar's aggregate classification.
Comment: This variant has been reported as associated with Long QT syndrome in the following publications (PMID:16244680;PMID:17210839;PMID:18752142;PMID:19716085;PMID:22378279). This is a literature report, and does not necessarily reflect the clinical interpretation of the Imperial College / Royal Brompton Cardiovascular Genetics laboratory.

Literature cited by the submitters: PubMed 17210839 (cited by 5 submitters); PubMed 18752142 (cited by 6 submitters); PubMed 19716085 (cited by 5 submitters); PubMed 27920829 (cited by 4 submitters); PubMed 30369311 (cited by 3 submitters); PubMed 18222468 (cited by 4 submitters); PubMed 32893267 (cited by Petrovsky National Research Centre of Surgery, The Federal Agency for Scientific Organizations); PubMed 22378279 (cited by Women's Health and Genetics/Laboratory Corporation of America, LabCorp and Cardiovascular Biomedical Research Unit, Royal Brompton & Harefield NHS Foundation Trust); PubMed 23465283 (cited by Women's Health and Genetics/Laboratory Corporation of America, LabCorp); PubMed 25967940 (cited by Women's Health and Genetics/Laboratory Corporation of America, LabCorp); PubMed 24055113 (cited by Women's Health and Genetics/Laboratory Corporation of America, LabCorp); PubMed 19862833 (cited by Women's Health and Genetics/Laboratory Corporation of America, LabCorp); PubMed 25417810 (cited by Women's Health and Genetics/Laboratory Corporation of America, LabCorp); PubMed 16244680 (cited by Cardiovascular Biomedical Research Unit, Royal Brompton & Harefield NHS Foundation Trust); PubMed 22581653 (cited by Cardiovascular Biomedical Research Unit, Royal Brompton & Harefield NHS Foundation Trust).

NM_000238.4(KCNH2):c.2653C>T (p.Arg885Cys)

Gene: KCNH2 (potassium voltage-gated channel subfamily H member 2; minus strand). Cytogenetic location: 7q36.1.
Variant type: single nucleotide variant.
Coding change: c.2653C>T on transcript NM_000238.4 (MANE Select); coding-DNA position 2653, C replaced by T.
Protein change: p.Arg885Cys; replaces arginine 885 with cysteine.
Molecular consequence: missense variant.
Genome position (GRCh38, 1-based): chr7:150,948,483, G>A on the plus strand (C>T on the coding strand, the complement: KCNH2 is on the minus strand). VCF-style: chr7-150948483-G-A. GRCh37 (hg19) VCF-style: chr7-150645571-G-A.
Other names: c.2653C>T (LRG_288t1); c.1633C>T, p.Arg545Cys (NM_172057.3); short protein forms R545C, R885C.
Identifiers: ClinVar variation 67422 (VCV000067422.45), dbSNP rs143512106, ClinGen allele CA007076.